The following is an entry in ClinVar:

ClinVar aggregate classification (germline): Uncertain significance (1 of 4 stars; one submission).

gnomAD v4.1: 7 of 1,613,916 alleles (0.00043%); highest among the groups gnomAD compares: South Asian, 0.0033%; no homozygotes.

Submission:

GeneDx
Classification: Uncertain significance. Last evaluated: 2023-11-18. Review status: criteria provided, single submitter. Criteria: GeneDx Variant Classification Process June 2021. Collection method: clinical testing. Allele origin: germline. Affected: yes.
Comment: Not observed at significant frequency in large population cohorts (gnomAD); In silico analysis supports that this missense variant has a deleterious effect on protein structure/function; Has not been previously published as pathogenic or benign to our knowledge

NM_025074.7(FRAS1):c.9204C>G (p.Ile3068Met)

Gene: FRAS1 (Fraser extracellular matrix complex subunit 1; plus strand). Cytogenetic location: 4q21.21.
Variant type: single nucleotide variant.
Coding change: c.9204C>G on transcript NM_025074.7 (MANE Select); coding-DNA position 9204, C replaced by G.
Protein change: p.Ile3068Met; replaces isoleucine 3068 with methionine.
Molecular consequence: missense variant.
Genome position (GRCh38, 1-based): chr4:78,499,809, C>G. VCF-style: chr4-78499809-C-G. GRCh37 (hg19) VCF-style: chr4-79420963-C-G.
Other names: short protein forms I3068M.
Identifiers: ClinVar variation 3364539 (VCV003364539.1).